The following is an entry in ClinVar:

NM_007055.4(POLR3A):c.3221T>C (p.Ile1074Thr)

Genes: POLR3A (RNA polymerase III subunit A; minus strand), LOC126860970 (BRD4-independent group 4 enhancer GRCh37_chr10:79743812-79745011; plus strand). Cytogenetic location: 10q22.3.
Variant type: single nucleotide variant.
Coding change: c.3221T>C on transcript NM_007055.4 (MANE Select); coding-DNA position 3221, T replaced by C.
Protein change: p.Ile1074Thr; replaces isoleucine 1074 with threonine.
Molecular consequence: missense variant.
Genome position (GRCh38, 1-based): chr10:77,985,191, A>G on the plus strand (T>C on the coding strand, the complement: POLR3A is on the minus strand). VCF-style: chr10-77985191-A-G. GRCh37 (hg19) VCF-style: chr10-79744949-A-G.
Other names: c.3221T>C (NM_007055.3); short protein forms I1074T.
Identifiers: ClinVar variation 1522759 (VCV001522759.5), dbSNP rs754973126, ClinGen allele CA5570912.

ClinVar aggregate classification (germline): Uncertain significance. Review status: criteria provided, multiple submitters, no conflicts (2 of 4 stars). 3 submissions from 3 submitters: Uncertain significance (3). Last evaluated 2024-04-05.

Conditions:
Inborn genetic diseases. Identifiers: MedGen C0950123, MeSH D030342.

Allele frequency attached by ClinVar (database versions not stated): ExAC 0.00007; gnomAD exomes 0.00007 and 0.00008; gnomAD 0.00013; TOPMed 0.00020.
gnomAD v4.1: 124 of 1,614,026 alleles (0.0077%); highest among the groups gnomAD compares: Admixed American, 0.038%; no homozygotes.

Submissions (3):

Blueprint Genetics
Classification: Uncertain significance. Last evaluated: 2024-04-05. Review status: criteria provided, single submitter. Criteria: ACMG Guidelines, 2015. Collection method: clinical testing. Allele origin: germline.

Ambry Genetics
Classification: Uncertain significance for Inborn genetic diseases. Last evaluated: 2023-10-05. Review status: criteria provided, single submitter. Criteria: Ambry Variant Classification Scheme 2023. Collection method: clinical testing. Allele origin: germline.

Labcorp Genetics (formerly Invitae), Labcorp
Classification: Uncertain significance. Last evaluated: 2022-06-15. Review status: criteria provided, single submitter. Criteria: Invitae Variant Classification Sherloc (09022015). Collection method: clinical testing. Allele origin: germline.
Comment: This sequence change replaces isoleucine, which is neutral and non-polar, with threonine, which is neutral and polar, at codon 1074 of the POLR3A protein (p.Ile1074Thr). This variant is present in population databases (rs754973126, gnomAD 0.02%). This variant has not been reported in the literature in individuals affected with POLR3A-related conditions. Algorithms developed to predict the effect of missense changes on protein structure and function are either unavailable or do not agree on the potential impact of this missense change (SIFT: "Deleterious"; PolyPhen-2: "Probably Damaging"; Align-GVGD: "Class C0"). In summary, the available evidence is currently insufficient to determine the role of this variant in disease. Therefore, it has been classified as a Variant of Uncertain Significance.